The following is an entry in ClinVar:

ClinVar aggregate classification (germline): Conflicting classifications of pathogenicity. Review status: criteria provided, conflicting classifications (1 of 4 stars). 13 submissions from 13 submitters: Uncertain significance (11); Likely benign (1). 1 of the submissions does not count toward it. Last evaluated 2026-02-03.

Conditions:
Diffuse midline glioma, H3 K27-altered. Identifiers: MedGen C5669877, MONDO:1060171.
ATM-related disorder. Also called: ATM-related disorders; ATM-related condition.
Hereditary cancer-predisposing syndrome. Also called: Tumor predisposition; Neoplastic Syndromes, Hereditary; Hereditary neoplastic syndrome; Hereditary Cancer Syndrome. Identifiers: Orphanet 140162, MedGen C0027672, MeSH D009386, MONDO:0015356.
Ataxia-telangiectasia syndrome (AT). Also called: Ataxia-telangiectasia, complementation group D; AT, COMPLEMENTATION GROUP C; Cerebello-oculocutaneous telangiectasia; Immunodeficiency with ataxia telangiectasia; ATAXIA-TELANGIECTASIA, COMPLEMENTATION GROUP A; ATAXIA-TELANGIECTASIA, FRESNO VARIANT. Identifiers: Orphanet 100, MedGen C0004135, MONDO:0008840, OMIM 208900.
Familial cancer of breast. Also called: BREAST CANCER, FAMILIAL; Hereditary breast cancer; hereditary breast carcinoma. Identifiers: Orphanet 227535, MedGen C0346153, MONDO:0016419, OMIM 114480. Disease mechanism: loss of function.

Allele frequency attached by ClinVar (database versions not stated): gnomAD 0.00004 and 0.00003; ExAC 0.00002; gnomAD exomes 0.00002; TOPMed 0.00002.
gnomAD v4.1: 30 of 1,600,026 alleles (0.0019%); highest among the groups gnomAD compares: Middle Eastern, 0.017%; no homozygotes.

Submissions (13):

PreventionGenetics, part of Exact Sciences
Classification: Uncertain significance for ATM-related condition. Last evaluated: 2026-02-03. Review status: criteria provided, single submitter. Criteria: ACMG Guidelines, 2015. Collection method: clinical testing. Allele origin: germline.
Comment: The ATM c.4673C>T variant is predicted to result in the amino acid substitution p.Thr1558Met. This variant has been reported in an individuals with breast, prostate, melanoma, or gastric cancer (Breast Cancer Association Consortium et al. 2021. PubMed ID: 33471991; Karlsson et al. 2021. PubMed ID: 33436325, Table S4; Table S2, Dalmasso et al. 2021. PubMed ID: 34262154; Table S4, Bhai et al. 2021. PubMed ID: 34326862). It has also been reported in controls from breast cancer studies (Momozawa et al. 2018. PubMed ID: 30287823, Table S1; Breast Cancer Association Consortium et al. 2021. PubMed ID: 33471991). This variant is reported in 0.016% of alleles in individuals of African descent in gnomAD and is interpreted as uncertain significance and likely benign in ClinVar (Variation ID:141389). At this time, the clinical significance of this variant is uncertain due to the absence of conclusive functional and genetic evidence.

Labcorp Genetics (formerly Invitae), Labcorp
Classification: Uncertain significance for Ataxia-telangiectasia syndrome. Last evaluated: 2026-01-19. Review status: criteria provided, single submitter. Criteria: Invitae Variant Classification Sherloc (09022015). Collection method: clinical testing. Allele origin: germline.
Comment: This sequence change replaces threonine, which is neutral and polar, with methionine, which is neutral and non-polar, at codon 1558 of the ATM protein (p.Thr1558Met). This variant is present in population databases (rs587781712, gnomAD 0.02%). This missense change has been observed in individual(s) with gastric cancer, melanoma, and/or prostate cancer (PMID: 33436325, 34262154, 34326862). ClinVar contains an entry for this variant (Variation ID: 141389). Invitae Evidence Modeling of protein sequence and biophysical properties (such as structural, functional, and spatial information, amino acid conservation, physicochemical variation, residue mobility, and thermodynamic stability) indicates that this missense variant is not expected to disrupt ATM protein function with a negative predictive value of 95%. In summary, the available evidence is currently insufficient to determine the role of this variant in disease. Therefore, it has been classified as a Variant of Uncertain Significance.

Ambry Genetics
Classification: Likely benign for Hereditary cancer-predisposing syndrome. Last evaluated: 2025-05-27. Review status: criteria provided, single submitter. Criteria: Ambry Variant Classification Scheme 2023. Collection method: clinical testing. Allele origin: germline.

Molecular Diagnostics Laboratory, Catalan Institute of Oncology
Classification: Uncertain significance for Hereditary cancer-predisposing syndrome. Last evaluated: 2024-10-30. Review status: criteria provided, single submitter. Criteria: ClinGen ACMG Specifications ATM V1.1.0. Collection method: clinical testing. Allele origin: germline.
Comment: BP4 c.4673C>T located in exon 31 of the ATM gene, is predicted to result in the substitution of threonine by methionine at codon 1558, p.(Thr1558Met). This variant is found in 3/14886 at a filter allele frequency of 0.005% in the gnomAD v2.1.1 database (African non-cancer data set). The SpliceAI algorithm predicts no significant impact on splicing and the REVEL meta-predictor score for this variant (0.068) suggests that it does not affect the protein function (BP4). To our knowledge, functional studies have not been reported for this variant. In addition, the variant was also identified in the ClinVar database (10x uncertain significance) and in LOVD database (1x uncertain significance, 2x not classified). Based on currently available information, the variant c.4673C>T is classified as an uncertain significance variant according to ClinGen-ATM Guidelines version v1.1.

Baylor Genetics
Classification: Uncertain significance for Familial cancer of breast. Last evaluated: 2024-02-25. Review status: criteria provided, single submitter. Criteria: ACMG Guidelines, 2015. Collection method: clinical testing. Allele origin: unknown.

Molecular Pathology, Peter Maccallum Cancer Centre
Classification: Uncertain significance for Ataxia-telangiectasia syndrome. Last evaluated: 2024-01-25. Review status: criteria provided, single submitter. Criteria: ACMG Guidelines, 2015. Collection method: clinical testing. Allele origin: germline. Inheritance: Autosomal recessive inheritance.

Color Diagnostics, LLC DBA Color Health
Classification: Uncertain significance for Hereditary cancer-predisposing syndrome. Last evaluated: 2023-11-20. Review status: criteria provided, single submitter. Criteria: ACMG Guidelines, 2015. Collection method: clinical testing. Allele origin: germline.
Comment: This missense variant replaces threonine with methionine at codon 1558 of the ATM protein. Computational prediction suggests that this variant may not impact protein structure and function (internally defined REVEL score threshold <= 0.5, PMID: 27666373). To our knowledge, functional studies have not been reported for this variant. In prostate and breast cancer case-control studies, this variant has been observed in affected and unaffected individuals (PMID: 30287823, 33436325, 33471991). In a biliary tract cancer case-control study, the variant was not observed in affected cases and present in the control group (PMID: 36243179). This variant has been observed in an individual affected with gastric cancer who has a family history of gastric cancer (PMID: 34326862). This variant has been identified in 6/281966 chromosomes in the general population by the Genome Aggregation Database (gnomAD). The available evidence is insufficient to determine the role of this variant in disease conclusively. Therefore, this variant is classified as a Variant of Uncertain Significance.

Women's Health and Genetics/Laboratory Corporation of America, LabCorp
Classification: Uncertain significance. Last evaluated: 2023-09-27. Review status: criteria provided, single submitter. Criteria: LabCorp Variant Classification Summary - May 2015. Collection method: clinical testing. Allele origin: germline.
Comment: Variant summary: ATM c.4673C>T (p.Thr1558Met) results in a non-conservative amino acid change in the encoded protein sequence. Four of five in-silico tools predict a benign effect of the variant on protein function. The variant allele was found at a frequency of 2e-05 in 250606 control chromosomes. The available data on variant occurrences in the general population are insufficient to allow any conclusion about variant significance. c.4673C>T has been reported, in case-control studies or in case reports, in individuals affected with Ataxia-Telangiectasia and various types of cancers including Breast cancer, Gastric cancer, biliary tract cancer, and prostate cancer (example, Karlsson_2021, Momozawa_2018, Tiao_2017, Woelke_2018, Dorling_2021, Bhai_2021, Okawa_2023), without strong evidence for causality. These report(s) do not provide unequivocal conclusions about association of the variant with Ataxia-Telangiectasia or ATM-related cancers. To our knowledge, no experimental evidence demonstrating an impact on protein function has been reported. The following publications have been ascertained in the context of this evaluation (PMID: 33436325, 30287823, 28652578, 30279689, 33471991, 34326862, 36243179). Seven submitters have cited clinical-significance assessments for this variant to ClinVar after 2014. All submitters classified the variant as uncertain significance. Based on the evidence outlined above, the variant was classified as uncertain significance.

GeneDx
Classification: Uncertain significance. Last evaluated: 2023-04-25. Review status: criteria provided, single submitter. Criteria: GeneDx Variant Classification Process June 2021. Collection method: clinical testing. Allele origin: germline. Affected: yes.
Comment: In silico analysis supports that this missense variant does not alter protein structure/function; Observed with a second ATM variant in an individual with ataxia-telangiectasia (Woelke et al., 2018); This variant is associated with the following publications: (PMID: 26022708, 30287823, 28652578, 30279689, 33436325)

Department of Pathology and Laboratory Medicine, Sinai Health System
Classification: Uncertain significance for Familial cancer of breast. Last evaluated: 2022-12-29. Review status: criteria provided, single submitter. Criteria: ACMG Guidelines, 2015. Collection method: clinical testing. Allele origin: germline. Affected: yes.

Laboratory of Medical Genetics Unit, Bambino Gesù Children's Hospital
Classification: Uncertain significance for Diffuse midline glioma, H3 K27-altered. Last evaluated: 2021-08-05. Review status: criteria provided, single submitter. Criteria: ACMG Guidelines, 2015. Collection method: research. Allele origin: paternal. Affected: yes. Observed: 1 heterozygote.

Fulgent Genetics
Classification: Uncertain significance for Familial cancer of breast; Ataxia-telangiectasia syndrome. Last evaluated: 2018-10-31. Review status: criteria provided, single submitter. Criteria: ACMG Guidelines, 2015. Collection method: clinical testing. Allele origin: unknown.

Natera, Inc.
Classification: Uncertain significance for Ataxia-telangiectasia. Last evaluated: 2020-09-16. Review status: no assertion criteria provided. Collection method: clinical testing. Allele origin: germline. Not counted in ClinVar's aggregate classification.

Literature cited by the submitters: PubMed 33436325 (cited by 4 submitters); PubMed 34262154 (cited by Labcorp Genetics (formerly Invitae), Labcorp); PubMed 34326862 (cited by 3 submitters); PubMed 28652578 (cited by Ambry Genetics and Women's Health and Genetics/Laboratory Corporation of America, LabCorp); PubMed 30287823 (cited by 4 submitters); PubMed 31214711 (cited by Ambry Genetics); PubMed 33471991 (cited by 4 submitters); PubMed 36243179 (cited by Color Diagnostics, LLC DBA Color Health and Women's Health and Genetics/Laboratory Corporation of America, LabCorp); PubMed 30279689 (cited by Women's Health and Genetics/Laboratory Corporation of America, LabCorp and Department of Pathology and Laboratory Medicine, Sinai Health System).

NM_000051.4(ATM):c.4673C>T (p.Thr1558Met)

Gene: ATM (ATM serine/threonine kinase; plus strand). Cytogenetic location: 11q22.3.
Variant type: single nucleotide variant.
Coding change: c.4673C>T on transcript NM_000051.4 (MANE Select); coding-DNA position 4673, C replaced by T.
Protein change: p.Thr1558Met; replaces threonine 1558 with methionine.
Molecular consequence: missense variant.
Genome position (GRCh38, 1-based): chr11:108,293,374, C>T. VCF-style: chr11-108293374-C-T. GRCh37 (hg19) VCF-style: chr11-108164101-C-T.
Other names: p.T1558M:ACG>ATG; c.4673C>T, p.Thr1558Met (NM_001351834.2); short protein forms T1558M.
Identifiers: ClinVar variation 141389 (VCV000141389.38), dbSNP rs587781712, ClinGen allele CA294134.